The following is an entry in ClinVar:

NM_138393.4(REEP6):c.277G>A (p.Ala93Thr)

Gene: REEP6 (receptor accessory protein 6; plus strand). Cytogenetic location: 19p13.3.
Variant type: single nucleotide variant.
Coding change: c.277G>A on transcript NM_138393.4 (MANE Select); coding-DNA position 277, G replaced by A.
Protein change: p.Ala93Thr; replaces alanine 93 with threonine.
Molecular consequence: missense variant.
Genome position (GRCh38, 1-based): chr19:1,495,536, G>A. VCF-style: chr19-1495536-G-A. GRCh37 (hg19) VCF-style: chr19-1495535-G-A.
Other names: c.277G>A, p.Ala93Thr (NM_001329556.3); short protein forms A93T.
Identifiers: ClinVar variation 1924093 (VCV001924093.6), dbSNP rs1291375196, ClinGen allele CA403056700.

ClinVar aggregate classification (germline): Uncertain significance. Review status: criteria provided, multiple submitters, no conflicts (2 of 4 stars). 2 submissions from 2 submitters: Uncertain significance (2). Last evaluated 2022-06-30.

Allele frequency attached by ClinVar (database versions not stated): gnomAD exomes below 0.00001; TOPMed below 0.00001.
gnomAD v4.1: 9 of 1,613,960 alleles (0.00056%); highest among the groups gnomAD compares: Admixed American, 0.0033%; no homozygotes.

Submissions (2):

Labcorp Genetics (formerly Invitae), Labcorp
Classification: Uncertain significance. Last evaluated: 2022-06-30. Review status: criteria provided, single submitter. Criteria: Invitae Variant Classification Sherloc (09022015). Collection method: clinical testing. Allele origin: germline.
Comment: In summary, the available evidence is currently insufficient to determine the role of this variant in disease. Therefore, it has been classified as a Variant of Uncertain Significance. Experimental studies and prediction algorithms are not available or were not evaluated, and the functional significance of this variant is currently unknown. This variant has not been reported in the literature in individuals affected with REEP6-related conditions. This variant is present in population databases (no rsID available, gnomAD 0.0009%). This sequence change replaces alanine, which is neutral and non-polar, with threonine, which is neutral and polar, at codon 93 of the REEP6 protein (p.Ala93Thr).

Blueprint Genetics
Classification: Uncertain significance. Last evaluated: 2019-11-15. Review status: criteria provided, single submitter. Criteria: ACMG Guidelines, 2015. Collection method: clinical testing. Allele origin: germline.